The following continues an entry in ClinVar:

NM_058216.3(RAD51C):c.1026+5_1026+7del

Gene: RAD51C. ClinVar aggregate classification (germline): Pathogenic/Likely pathogenic. Pathogenic (9); Likely pathogenic (19).

Submissions 8 to 22 of 32:

GeneDx
Classification: Likely pathogenic. Last evaluated: 2025-07-03. Review status: criteria provided, single submitter. Criteria: GeneDx Variant Classification Process June 2021. Collection method: clinical testing. Allele origin: germline. Affected: yes.
Comment: Intronic +5 splice site variant in a gene for which loss-of-function is a known mechanism of disease, and published functional studies demonstrate a damaging effect on splicing (PMID: 24139550, 27616075, 33333735); Observed in individuals with a personal or family history of breast and/or ovarian cancer (PMID: 26057125, 22538716, 24139550, 27616075, 32957588, 32854451, 30374176); Not observed at significant frequency in large population cohorts (gnomAD); This variant is associated with the following publications: (PMID: 24139550, 27616075, 22538716, 26057125, 25470109, 27621404, 12966089, 26681312, 33753322, 32957588, 32854451, 31589614, 30374176, 29978187, 35740625, 34371384, 31882575, 30086788, 34923718, 33047316, 34887416, 30257646, 28888541, 29922827, 36974006, 33333735, 28905878, 40225916)

Dasa
Classification: Likely pathogenic. Last evaluated: 2025-07-02. Review status: criteria provided, single submitter. Criteria: DASA Assertion Criteria. Collection method: clinical testing. Allele origin: germline.
Comment: NM_058216.3(RAD51C):c.1026+5_1026+7del is a splice-region variant predicted to affect normal RNA splicing. This variant has been recurrently observed in individuals with RAD51C-related disorders (PMID: 28905878; PMID: 31843900; PMID: 22538716; PMID: 24139550; PMID: 26057125). Functional evidence supports an impact on the gene or gene product (PMID: 28905878; PMID: 31843900; PMID: 22538716; PMID: 24139550; PMID: 26057125). Also, this variant is absent from population databases. Computational evidence supports a deleterious effect. Based on the currently available evidence, this variant is classified as likely pathogenic.

Institute of Human Genetics, University of Leipzig Medical Center
Classification: Pathogenic for Breast-ovarian cancer, familial, susceptibility to, 3. Last evaluated: 2025-06-27. Review status: criteria provided, single submitter. Criteria: ACMG Guidelines, 2015. Collection method: clinical testing. Allele origin: unknown. Inheritance: Autosomal dominant inheritance. Affected: yes.
Comment: Criteria applied: PVS1,PS4_MOD,PM2_SUP

Hema, HEMA – Genetic and Molecular Diagnostic Laboratory
Classification: Likely pathogenic for RAD51C-related cancer predisposition. Last evaluated: 2024-12-27. Review status: criteria provided, single submitter. Criteria: HEMA Variant Classification Assertion Criteria. Collection method: clinical testing. Allele origin: germline.
Comment: It is a three-nucleotide deletion in the donor splicing region of intron 8 of the RAD51C gene. PVS1_Strong (RNA): The variant primarily results in exon skipping of the biologically relevant exon 7/8, leading to a frameshift and the introduction of a premature stop codon (PMID: 12966089, 28905878, 31843900). Although the resulting transcript escapes nonsense-mediated decay, it produces a truncated protein (r.966_1026del p.Arg322Serfs*22) lacking the nuclear localization signal, which is essential for the normal function of RAD51C (PMID: 12966089). PS4: The prevalence of the variant in cases is significantly higher than in controls (OR = 5.1; 95% CI 1.9-13.7; p = 0.001) (PMID: 33333735).

Molecular Diagnostics Laboratory, Catalan Institute of Oncology
Classification: Likely pathogenic for Hereditary cancer-predisposing syndrome. Last evaluated: 2024-12-17. Review status: criteria provided, single submitter. Criteria: ACMG Guidelines, 2015. Collection method: clinical testing. Allele origin: germline.
Comment: PVS1(RNA)_Strong, PM2_Supporting, PP4 The RAD51C c.1026+5_1026+7del intronic variant results from a deletion of 3 nucleotides from the +5 to +7 positions after coding exon 8 in the RAD51C gene. This variant is found in 1/268265 alleles at a frequency of 0.0004% in the gnomAD v2.1.1 database, non-cancer dataset (PM2_supporting). The SpliceAI algorithm predicts that the variant impairs the splicing donor site (deltascore: 0.88), that would lead to skipping of exon 8. RNA studies of peripheral blood from individuals with the variant and minigenes have demonstrated that the variant leads to skipping of exon 8 (r.966_1026del), resulting in a frameshift and the generation of a premature stop codon in the final exon of the gene (p.Arg322Serfs*22). The variant allele does not produce full-lenght transcript (PMID: 24139550, 26057125,28905878, 33333735, 31843900). Nonsense-mediated decay is not expected to result from this variant, but it disrupts the C-terminus of the RAD51C protein, which leads to a removal of the nuclear localization signal that can cause cellular mislocalization (PMID: 12966089) (PVS1(RNA)_Strong). It has been reported in six patients with ovarian cancer (PMID: 26057125, 24139550, 31882575, 32957588, internal data, PP4) and in other patients affected with breast/ovarian cancer or endometrial cancer (PMID: 33333735, 28905878, 31843900, 22538716, 27616075, 30086788, 30374176, 32854451, 34371384, 34923718, internal data). This variant has been reported in ClinVar (6x pathogenic, 14x likely pathogenic) and LOVD (2x pathogenic, 3x likely pathogenic) databases. Based on currently available information, the variant c.1026+5_1026+7del should be considered a likely pathogenic variant.

Greenwood Genetic Center Diagnostic Laboratories, Greenwood Genetic Center
Classification: Likely pathogenic for Breast-ovarian cancer, familial, susceptibility to, 3. Last evaluated: 2024-11-11. Review status: criteria provided, single submitter. Criteria: ACMG Guidelines, 2015. Collection method: clinical testing. Allele origin: germline.
Comment: PS3, PM2

Blueprint Genetics
Classification: Likely pathogenic for RAD51C-related disorders. Last evaluated: 2024-10-30. Review status: criteria provided, single submitter. Criteria: ACMG Guidelines, 2015. Collection method: clinical testing. Allele origin: germline. Affected: yes. Observed: 5 variant alleles.

Institute for Genomic Medicine (IGM) Clinical Laboratory, Nationwide Children's Hospital
Classification: Pathogenic for RAD51C-related cancer predisposition. Last evaluated: 2024-07-10. Review status: criteria provided, single submitter. Criteria: ACMG Guidelines, 2015. Collection method: clinical testing. Allele origin: germline.
Comment: Well-established functional studies have demonstrated this variant to have a damaging effect on protein function or splicing (ACMG/AMP: PS3; PMIDs:24139550, 26057125, 27616075, 28905878, 29255180, 31843900, 12966089). This variant has been reported at an elevated frequency in affected individuals/in multiple affected individuals in the literature (ACMG/AMP: PS4; PMIDs:22538716, 27616075, 29255180, 30086788, 30257646, 30374176, 24139550, 26057125, 31882575).

CeGaT Center for Human Genetics Tuebingen
Classification: Likely pathogenic. Last evaluated: 2024-07-01. Review status: criteria provided, single submitter. Criteria: CeGaT Center For Human Genetics Tuebingen Variant Classification Criteria Version 2. Collection method: clinical testing. Allele origin: germline. Affected: yes. Observed: 1 variant allele.
Comment: RAD51C: PS3:Moderate, PS4:Moderate, PM2:Supporting, PP3

Baylor Genetics
Classification: Likely pathogenic for Breast-ovarian cancer, familial, susceptibility to, 3. Last evaluated: 2024-03-17. Review status: criteria provided, single submitter. Criteria: ACMG Guidelines, 2015. Collection method: clinical testing. Allele origin: unknown.

Department of Pathology and Laboratory Medicine, Sinai Health System
Classification: Pathogenic for Breast-ovarian cancer, familial, susceptibility to, 3. Last evaluated: 2024-02-26. Review status: criteria provided, single submitter. Criteria: ACMG Guidelines, 2015. Collection method: clinical testing. Allele origin: germline. Affected: yes.

Mendelics
Classification: Likely pathogenic for Hereditary cancer. Last evaluated: 2024-01-23. Review status: criteria provided, single submitter. Criteria: ACMG Guidelines, 2015. Collection method: clinical testing. Allele origin: unknown.

Fulgent Genetics
Classification: Pathogenic for Fanconi anemia complementation group O; Breast-ovarian cancer, familial, susceptibility to, 3. Last evaluated: 2024-01-15. Review status: criteria provided, single submitter. Criteria: ACMG Guidelines, 2015. Collection method: clinical testing. Allele origin: germline.

Quest Diagnostics Nichols Institute San Juan Capistrano
Classification: Pathogenic. Last evaluated: 2023-08-21. Review status: criteria provided, single submitter. Criteria: Quest Diagnostics criteria. Collection method: clinical testing. Allele origin: unknown.
Comment: The RAD51C c.1026+5_1026+7del variant has been reported in the published literature in several individuals affected with breast and/or ovarian cancer (PMIDs: 22538716 (2012), 24139550 (2013), 26057125 (2015), 26681312 (2015), 27616075 (2016), 29255180 (2017), 30086788 (2018), 30257646 (2018), 31882575 (2019), 32854451 (2020)). Functional studies have shown that this variant causes aberrant splicing including exon 8 skipping (PMIDs: 24139550 (2013), 26057125 (2015), 27616075 (2016), 28905878 (2017), 31843900 (2019)). The frequency of this variant in the general population, 0.000026 (3/113684 chromosomes (Genome Aggregation Database)), is consistent with pathogenicity. Based on the available information, this variant is classified as pathogenic.

Myriad Genetics, Inc.
Classification: Likely pathogenic for Breast-ovarian cancer, familial, susceptibility to, 3. Last evaluated: 2023-04-06. Review status: criteria provided, single submitter. Criteria: Myriad Autosomal Dominant, Autosomal Recessive and X-Linked Classification Criteria (2023). Collection method: clinical testing. Allele origin: unknown.
Comment: This variant is considered likely pathogenic. Functional studies indicate this variant impacts protein function [PMID: 24139550, 26057125]. mRNA analysis has demonstrated abnormal mRNA splicing occurs [Myriad internal data]. This variant is strongly associated with more severe personal and family histories of cancer, typical for individuals with pathogenic variants in this gene [PMID: 25085752].